The following is an entry in ClinVar:

ClinVar aggregate classification (germline): Likely pathogenic (1 of 4 stars; one submission).

Submission:

GeneDx
Classification: Likely pathogenic. Last evaluated: 2013-01-08. Review status: criteria provided, single submitter. Criteria: GeneDx Variant Classification (06012015). Collection method: clinical testing. Allele origin: germline. Affected: yes.
Comment: p.Arg559Pro (CGC>CCC): c.1676 G>C in exon 11 of the ALAS2 gene (NM_000032.4). The R559P missense change likely associated with hereditary X-linked sideroblastic anemia was identified in the ALAS2 gene. It has not been published as a mutation, nor has it been reported as a benign polymorphism to our knowledge. The amino acid change is non-conservative in that a positively charged Arginine residue is replaced by an uncharged Proline residue with a unique ring structure. This change occurs at a position in the ALAS2 protein where a basic amino acid is conserved in mammals. Furthermore, most in-silico analysis models predict that R559P is damaging to the ALAS2 protein. Therefore, R559P is a strong candidate for a disease-causing mutation, however the possibility that it is a benign variant cannot be excluded. The variant is found in MITONUC-MITOP panel(s).

NM_000032.5(ALAS2):c.1676G>C (p.Arg559Pro)

Gene: ALAS2 (5'-aminolevulinate synthase 2; minus strand). Cytogenetic location: Xp11.21.
Variant type: single nucleotide variant.
Coding change: c.1676G>C on transcript NM_000032.5 (MANE Select); coding-DNA position 1676, G replaced by C.
Protein change: p.Arg559Pro; replaces arginine 559 with proline.
Molecular consequence: missense variant.
Genome position (GRCh38, 1-based): chrX:55,009,268, C>G on the plus strand (G>C on the coding strand, the complement: ALAS2 is on the minus strand). VCF-style: chrX-55009268-C-G. GRCh37 (hg19) VCF-style: chrX-55035701-C-G.
Other names: p.R559P:CGC>CCC; c.1676G>C, p.Arg559Pro (LRG_1163t1); c.1565G>C, p.Arg522Pro (NM_001037967.4); c.1637G>C, p.Arg546Pro (NM_001037968.4); short protein forms R559P, R546P, R522P.
Identifiers: ClinVar variation 214100 (VCV000214100.2), dbSNP rs145704441, ClinGen allele CA321307.